The following is an entry in ClinVar:

ClinVar aggregate classification (germline): Pathogenic (1 of 4 stars; one submission).

Conditions:
Familial cancer of breast. Also called: Hereditary breast cancer; hereditary breast carcinoma; BREAST CANCER, FAMILIAL. Identifiers: Orphanet 227535, MedGen C0346153, MONDO:0016419, OMIM 114480. Disease mechanism: loss of function.

Submission:

Labcorp Genetics (formerly Invitae), Labcorp
Classification: Pathogenic for Familial cancer of breast. Last evaluated: 2018-06-15. Review status: criteria provided, single submitter. Criteria: Invitae Variant Classification Sherloc (09022015). Collection method: clinical testing. Allele origin: germline.
Comment: This variant is a gross deletion of the genomic region encompassing exons 1-7 of the BARD1 gene, which includes the initiator codon. The 5' end of this event is unknown as it extends beyond the assayed region for this gene and therefore may encompass additional genes. The 3' boundary is likely confined to intron 7 of the BARD1 gene. This is expected to result in an absent or disrupted protein product. This variant has not been reported in the literature in individuals with BARD1-related disease. Loss-of-function variants in BARD1 are known to be pathogenic (PMID: 20077502, 21344236). For these reasons, this variant has been classified as Pathogenic.

NC_000002.12:g.(?_214752437)_(214809579_?)del

Genes: BARD1 (BRCA1 associated RING domain 1; minus strand), LOC129935543 (ATAC-STARR-seq lymphoblastoid active region 17073; plus strand), LOC129935542 (ATAC-STARR-seq lymphoblastoid active region 17072; plus strand). Cytogenetic location: 2q35.
Variant type: Deletion.
Identifiers: ClinVar variation 584393 (VCV000584393.2).